The following is an entry in ClinVar:

NM_001355436.2(SPTB):c.6041T>G (p.Phe2014Cys)

Gene: SPTB (spectrin beta, erythrocytic; minus strand). Cytogenetic location: 14q23.3.
Variant type: single nucleotide variant.
Coding change: c.6041T>G on transcript NM_001355436.2 (MANE Select); coding-DNA position 6041, T replaced by G.
Protein change: p.Phe2014Cys; replaces phenylalanine 2014 with cysteine.
Molecular consequence: missense variant.
Genome position (GRCh38, 1-based): chr14:64,767,841, A>C on the plus strand (T>G on the coding strand, the complement: SPTB is on the minus strand). VCF-style: chr14-64767841-A-C. GRCh37 (hg19) VCF-style: chr14-65234559-A-C.
Other names: c.6041T>G, p.Phe2014Cys (NM_001024858.4, NM_001355437.2); short protein forms F2014C.
Identifiers: ClinVar variation 869462 (VCV000869462.3), dbSNP rs2082214097, ClinGen allele CA390039553.

ClinVar aggregate classification (germline): Uncertain significance. Review status: criteria provided, multiple submitters, no conflicts (2 of 4 stars). 2 submissions from 2 submitters: Uncertain significance (2). Last evaluated 2025-09-10.

Conditions:
Elliptocytosis 3 (EL3). Identifiers: MedGen C1866810, MONDO:0054780, OMIM 617948.
SPTB-related disorder. Also called: SPTB-Related Disorders; SPTB-related condition.

Submissions (2):

3billion
Classification: Uncertain significance for SPTB-related disorder. Last evaluated: 2025-09-10. Review status: criteria provided, single submitter. Criteria: ACMG Guidelines, 2015. Collection method: clinical testing. Allele origin: germline. Affected: yes.
Comment: The variant is not observed in the gnomAD v4.1.0 dataset. Predicted Consequence/Location: Missense variant In silico tool predictions suggest damaging effect of the variant on gene or gene product [REVEL: 0.92 (>=0.6, sensitivity 0.68 and specificity 0.92); 3Cnet: 0.97 (> 0.75, sensitivity 0.96 and precision 0.92)]. The same nucleotide change resulting in the same amino acid change has been previously reported to be associated with SPTB-related disorder (PMID: 31827275).A different missense change at the same codon (p.Phe2014Val) has been reported to be associated with SPTB-related disorder (PMID: 27667160). However the evidence of pathogenicity is insufficient at this time. Therefore, this variant is classified as VUS according to the recommendation of ACMG/AMP guideline.

Victorian Clinical Genetics Services, Murdoch Childrens Research Institute
Classification: Uncertain significance for Elliptocytosis 3. Last evaluated: 2017-09-28. Review status: criteria provided, single submitter. Criteria: ACMG Guidelines, 2015. Collection method: clinical testing. Allele origin: unknown. Affected: yes.
Comment: A homozygous missense variant was identified, NM_000347.5(SPTB):c.6041T>G in exon 29 of the SPTB gene.This substitution creates a major amino acid change from a phenylalanine to a cysteine at position 2014, NP_000338.3(SPTB):p.(Phe2014Cys).The phenylalanine at this position has very high conservation (100 vertebrates, UCSC), and is situated ina spectrin domain. In silico tools predict this variant to be deleterious (SIFT, Mutation Taster).This variant is not present in the gnomAD population database and has not been previously observed in other clinical cases. Based on current information, this variant has been classified as a VARIANT of UNKNOWN SIGNIFICANCE (VUS) with HIGH clinical significance.

Literature cited by the submitters: PubMed 27667160 (cited by 3billion); PubMed 31827275 (cited by 3billion).